The following is an entry in ClinVar:

NM_020806.5(GPHN):c.343A>G (p.Met115Val)

Gene: GPHN (gephyrin; plus strand). Cytogenetic location: 14q23.3.
Variant type: single nucleotide variant.
Coding change: c.343A>G on transcript NM_020806.5 (MANE Select); coding-DNA position 343, A replaced by G.
Protein change: p.Met115Val; replaces methionine 115 with valine.
Molecular consequence: missense variant.
Genome position (GRCh38, 1-based): chr14:66,879,987, A>G. VCF-style: chr14-66879987-A-G. GRCh37 (hg19) VCF-style: chr14-67346705-A-G.
Other names: c.382A>G, p.Met128Val (NM_001377519.1, NM_001377514.1); c.343A>G, p.Met115Val (NM_001024218.2, NM_001377515.1, NM_001377516.1 and 2 more transcripts); short protein forms M128V, M115V.
Identifiers: ClinVar variation 2108053 (VCV002108053.4), dbSNP rs2063852476, ClinGen allele CA390256923.

ClinVar aggregate classification (germline): Uncertain significance (1 of 4 stars; one submission).

Conditions:
Sulfite oxidase deficiency due to molybdenum cofactor deficiency type C. Also called: Molybdenum cofactor deficiency, complementation group C; Molybdenum cofactor deficiency C. Identifiers: Orphanet 308400, Orphanet 833, MedGen C1854990, MONDO:0014212, OMIM 615501.

Allele frequency attached by ClinVar (database versions not stated): gnomAD exomes below 0.00001.

Submission:

Labcorp Genetics (formerly Invitae), Labcorp
Classification: Uncertain significance for Sulfite oxidase deficiency due to molybdenum cofactor deficiency type C. Last evaluated: 2023-07-20. Review status: criteria provided, single submitter. Criteria: Invitae Variant Classification Sherloc (09022015). Collection method: clinical testing. Allele origin: germline.
Comment: This variant is not present in population databases (gnomAD no frequency). In summary, the available evidence is currently insufficient to determine the role of this variant in disease. Therefore, it has been classified as a Variant of Uncertain Significance. Advanced modeling of protein sequence and biophysical properties (such as structural, functional, and spatial information, amino acid conservation, physicochemical variation, residue mobility, and thermodynamic stability) performed at Invitae indicates that this missense variant is expected to disrupt GPHN protein function. ClinVar contains an entry for this variant (Variation ID: 2108053). This variant has not been reported in the literature in individuals affected with GPHN-related conditions. This sequence change replaces methionine, which is neutral and non-polar, with valine, which is neutral and non-polar, at codon 115 of the GPHN protein (p.Met115Val).